The following is an entry in ClinVar:

ClinVar aggregate classification (germline): Uncertain significance. Review status: criteria provided, multiple submitters, no conflicts (2 of 4 stars). 3 submissions from 3 submitters: Uncertain significance (3). Last evaluated 2025-02-13.

Conditions:
Familial thoracic aortic aneurysm and aortic dissection (TAAD). Also called: Thoracic aortic aneurysms and dissections. Identifiers: Orphanet 91387, MedGen C4707243, MONDO:0019625.
Congenital contractural arachnodactyly (CCA). Also called: BEALS SYNDROME; Arthrogryposis, distal, type 9; Beals-Hecht syndrome. Identifiers: Orphanet 115, MedGen C0220668, MONDO:0007363, OMIM 121050.

Allele frequency attached by ClinVar (database versions not stated): gnomAD exomes below 0.00001.
gnomAD v4.1: 1 of 1,609,770 alleles (0.000062%); highest among the groups gnomAD compares: Non-Finnish European, 0.000085%; no homozygotes.

Submissions (3):

Labcorp Genetics (formerly Invitae), Labcorp
Classification: Uncertain significance for Congenital contractural arachnodactyly. Last evaluated: 2025-02-13. Review status: criteria provided, single submitter. Criteria: Invitae Variant Classification Sherloc (09022015). Collection method: clinical testing. Allele origin: germline.
Comment: This sequence change replaces glycine, which is neutral and non-polar, with alanine, which is neutral and non-polar, at codon 142 of the FBN2 protein (p.Gly142Ala). This variant is not present in population databases (gnomAD no frequency). This variant has not been reported in the literature in individuals affected with FBN2-related conditions. ClinVar contains an entry for this variant (Variation ID: 411828). Invitae Evidence Modeling of protein sequence and biophysical properties (such as structural, functional, and spatial information, amino acid conservation, physicochemical variation, residue mobility, and thermodynamic stability) has been performed for this missense variant. However, the output from this modeling did not meet the statistical confidence thresholds required to predict the impact of this variant on FBN2 protein function. In summary, the available evidence is currently insufficient to determine the role of this variant in disease. Therefore, it has been classified as a Variant of Uncertain Significance.

Blueprint Genetics
Classification: Uncertain significance. Last evaluated: 2023-03-24. Review status: criteria provided, single submitter. Criteria: ACMG Guidelines, 2015. Collection method: clinical testing. Allele origin: germline.

Ambry Genetics
Classification: Uncertain significance for Familial thoracic aortic aneurysm and aortic dissection. Last evaluated: 2020-11-18. Review status: criteria provided, single submitter. Criteria: Ambry Variant Classification Scheme 2023. Collection method: clinical testing. Allele origin: germline.
Comment: The p.G142A variant (also known as c.425G>C), located in coding exon 3 of the FBN2 gene, results from a G to C substitution at nucleotide position 425. The glycine at codon 142 is replaced by alanine, an amino acid with similar properties, and is located in the EGF-like #02 domain. This amino acid position is well conserved in available vertebrate species; however, alanine is the reference amino acid in other vertebrate species. In addition, this alteration is predicted to be tolerated by in silico analysis. Since supporting evidence is limited at this time, the clinical significance of this alteration remains unclear.

NM_001999.4(FBN2):c.425G>C (p.Gly142Ala)

Gene: FBN2 (fibrillin 2; minus strand). Cytogenetic location: 5q23.3.
Variant type: single nucleotide variant.
Coding change: c.425G>C on transcript NM_001999.4 (MANE Select); coding-DNA position 425, G replaced by C.
Protein change: p.Gly142Ala; replaces glycine 142 with alanine.
Molecular consequence: missense variant.
Genome position (GRCh38, 1-based): chr5:128,530,606, C>G on the plus strand (G>C on the coding strand, the complement: FBN2 is on the minus strand). VCF-style: chr5-128530606-C-G. GRCh37 (hg19) VCF-style: chr5-127866299-C-G.
Other names: short protein forms G142A.
Identifiers: ClinVar variation 411828 (VCV000411828.10), dbSNP rs1060503506, ClinGen allele CA16611909.